The following is an entry in ClinVar:

ClinVar aggregate classification (germline): Uncertain significance (1 of 4 stars; one submission).

Conditions:
Primary ciliary dyskinesia 6. Also called: Primary Ciliary Dyskinesia 6: TXNDC3-Related Primary Ciliary Dyskinesia. Identifiers: Orphanet 244, MedGen C1970506, MONDO:0012571, OMIM 610852.

Submission:

Labcorp Genetics (formerly Invitae), Labcorp
Classification: Uncertain significance for Primary ciliary dyskinesia 6. Last evaluated: 2022-06-16. Review status: criteria provided, single submitter. Criteria: Invitae Variant Classification Sherloc (09022015). Collection method: clinical testing. Allele origin: germline.
Comment: In summary, the available evidence is currently insufficient to determine the role of this variant in disease. Therefore, it has been classified as a Variant of Uncertain Significance. Algorithms developed to predict the effect of sequence changes on RNA splicing suggest that this variant may disrupt the consensus splice site. ClinVar contains an entry for this variant (Variation ID: 1013923). This variant has not been reported in the literature in individuals affected with NME8-related conditions. This variant is not present in population databases (gnomAD no frequency). This sequence change affects codon 515 of the NME8 mRNA. It is a 'silent' change, meaning that it does not change the encoded amino acid sequence of the NME8 protein. It affects a nucleotide within the consensus splice site.

NM_016616.5(NME8):c.1545G>A (p.Val515=)

Gene: NME8 (NME/NM23 family member 8; plus strand). Cytogenetic location: 7p14.1.
Variant type: single nucleotide variant.
Coding change: c.1545G>A on transcript NM_016616.5 (MANE Select); coding-DNA position 1545, G replaced by A.
Protein change: p.Val515=; no amino-acid change (valine 515 retained).
Molecular consequence: synonymous variant.
Genome position (GRCh38, 1-based): chr7:37,896,870, G>A. VCF-style: chr7-37896870-G-A. GRCh37 (hg19) VCF-style: chr7-37936472-G-A.
Identifiers: ClinVar variation 1013923 (VCV001013923.8), dbSNP rs1785236272, ClinGen allele CA454694732.